The following is an entry in ClinVar:

NM_000218.3(KCNQ1):c.420C>A (p.Ser140Arg)

Gene: KCNQ1 (potassium voltage-gated channel subfamily Q member 1; plus strand). Cytogenetic location: 11p15.5.
Variant type: single nucleotide variant.
Coding change: c.420C>A on transcript NM_000218.3 (MANE Select); coding-DNA position 420, C replaced by A.
Protein change: p.Ser140Arg; replaces serine 140 with arginine.
Molecular consequence: missense variant.
Genome position (GRCh38, 1-based): chr11:2,527,961, C>A. VCF-style: chr11-2527961-C-A. GRCh37 (hg19) VCF-style: chr11-2549191-C-A.
Other names: c.420C>A, p.Ser140Arg (NM_001406836.1, NM_001406838.1); c.150C>A, p.Ser50Arg (NM_001406837.1); c.39C>A, p.Ser13Arg (NM_181798.2); short protein forms S13R, S140R, S50R.
Identifiers: ClinVar variation 1738716 (VCV001738716.2), dbSNP rs377520734, ClinGen allele CA379121372.

ClinVar aggregate classification (germline): Uncertain significance (1 of 4 stars; one submission).

Conditions:
Cardiovascular phenotype. Identifiers: MedGen CN230736.

Submission:

Ambry Genetics
Classification: Uncertain significance for Cardiovascular phenotype. Last evaluated: 2018-02-09. Review status: criteria provided, single submitter. Criteria: Ambry Variant Classification Scheme 2023. Collection method: clinical testing. Allele origin: germline.
Comment: The p.S140R variant (also known as c.420C>A), located in coding exon 2 of the KCNQ1 gene, results from a C to A substitution at nucleotide position 420. The serine at codon 140 is replaced by arginine, an amino acid with dissimilar properties. This alteration was detected in a one individual with long QT syndrome; however, limited clinical information was provided (Gao Y et al. Cardiology, 2016 Oct;133:73-8). This amino acid position is well conserved in available vertebrate species. In addition, this alteration is predicted to be deleterious by in silico analysis. An alteration affecting the same amino acid, p.S140G, has been reported to segregated with atrial fibrillation in one family and to cause a gain-of-function effect on the channel activity (Chen YH et al. Science, 2003 Jan;299:251-4). Since supporting evidence is limited at this time, the clinical significance of this alteration remains unclear.

Literature cited by the submitters: PubMed 26496715.